The following is an entry in ClinVar:

NM_000257.4(MYH7):c.3591_3592delinsAAGAAGC (p.Asp1198fs)

Gene: MYH7 (myosin heavy chain 7; minus strand). Cytogenetic location: 14q11.2.
Variant type: Indel.
Coding change: c.3591_3592delinsAAGAAGC on transcript NM_000257.4 (MANE Select); coding-DNA positions 3591 to 3592, CG replaced by AAGAAGC.
Protein change: p.Asp1198fs; shifts the reading frame from aspartic acid 1198.
Molecular consequence: frameshift variant.
Genome position (GRCh38, 1-based): chr14:23,419,979-23,419,980, CG replaced by GCTTCTT on the plus strand (CG replaced by AAGAAGC on the coding strand, the reverse complement: MYH7 is on the minus strand). VCF-style: chr14-23419979-CG-GCTTCTT. GRCh37 (hg19) VCF-style: chr14-23889188-CG-GCTTCTT.
Other names: c.3591_3592delCGinsAAGAAGC (NM_000257.4); short protein forms D1198fs.
Identifiers: ClinVar variation 228908 (VCV000228908.11), dbSNP rs876657883, ClinGen allele CA10576954.

ClinVar aggregate classification (germline): Uncertain significance. Review status: criteria provided, multiple submitters, no conflicts (2 of 4 stars). 4 submissions from 4 submitters: Uncertain significance (4). Last evaluated 2025-06-12.

Conditions:
Cardiovascular phenotype. Identifiers: MedGen CN230736.
Cardiomyopathy (CMYO). Also called: Cardiomyopathies. Identifiers: Orphanet 167848, MedGen C0878544, MONDO:0004994, HP:0001638. Inheritance: Various modes of inheritance.
Hypertrophic cardiomyopathy. Also called: HYPERTROPHIC MYOCARDIOPATHY. Identifiers: Orphanet 217569, MedGen C0007194, MeSH D002312, MONDO:0005045, HP:0001639.

Submissions (4):

Color Diagnostics, LLC DBA Color Health
Classification: Uncertain significance for Cardiomyopathy. Last evaluated: 2025-06-12. Review status: criteria provided, single submitter. Criteria: ACMG Guidelines, 2015. Collection method: clinical testing. Allele origin: germline.
Comment: This variant deletes two nucleotides and inserts seven nucleotides in exon 27 of the MYH7 gene, creating a frameshift and premature translation stop signal. This variant is expected to result in an absent or non-functional protein product. To our knowledge, this variant has not been reported in individuals affected with MYH7-related disorders in the literature. This variant has not been identified in the general population by the Genome Aggregation Database (gnomAD). Clinical relevance of loss-of-function MYH7 truncation variants in autosomal dominant cardiovascular disorders is not clearly established. The available evidence is insufficient to determine the role of this variant in disease conclusively. Therefore, this variant is classified as a Variant of Uncertain Significance.

Ambry Genetics
Classification: Uncertain significance for Cardiovascular phenotype. Last evaluated: 2025-02-04. Review status: criteria provided, single submitter. Criteria: Ambry Variant Classification Scheme 2023. Collection method: clinical testing. Allele origin: germline.
Comment: The c.3591_3592delCGinsAAGAAGC variant, located in coding exon 25 of the MYH7 gene, results from the deletion of two nucleotides and insertion of 7 nucleotides causing a translational frameshift with a predicted alternate stop codon (p.D1198Rfs*18). This alteration is expected to result in protein truncation or nonsense-mediated mRNA decay. However, loss of function of MYH7 has not been established as a mechanism of disease. Based on the available evidence, the clinical significance of this alteration remains unclear.

Labcorp Genetics (formerly Invitae), Labcorp
Classification: Uncertain significance for Hypertrophic cardiomyopathy. Last evaluated: 2022-02-24. Review status: criteria provided, single submitter. Criteria: Invitae Variant Classification Sherloc (09022015). Collection method: clinical testing. Allele origin: germline.
Comment: This variant has not been reported in the literature in individuals affected with MYH7-related conditions. This variant is present in population databases (rs755646089, gnomAD 0.002%). This sequence change creates a premature translational stop signal (p.Asp1198Argfs*18) in the MYH7 gene. It is expected to result in an absent or disrupted protein product. However, the current clinical and genetic evidence is not sufficient to establish whether loss-of-function variants in MYH7 cause disease. ClinVar contains an entry for this variant (Variation ID: 228908). In summary, the available evidence is currently insufficient to determine the role of this variant in disease. Therefore, it has been classified as a Variant of Uncertain Significance.

Laboratory for Molecular Medicine, Mass General Brigham Personalized Medicine
Classification: Uncertain significance. Last evaluated: 2014-12-17. Review status: criteria provided, single submitter. Criteria: LMM Criteria. Collection method: clinical testing. Allele origin: germline. Observed: 1 variant allele.
Comment: Variant classified as Uncertain Significance - Favor Pathogenic. The p.Asp1198fs variant in MYH7 has not been previously reported in individuals with cardiomyop athy. This variant deletes 2 bases and inserts 7, resulting in a frameshift, whi ch is predicted to alter the protein?s amino acid sequence beginning at position 1198 and to lead to a premature termination codon 18 amino acids downstream. Th is alteration is then predicted to lead to a truncated or absent protein. It sho uld be noted that loss of function variants in the MYH7 gene are very rare and t herefore, their phenotypic spectrum is incompletely characterized. Emerging evid ence suggests that truncating variants in MYH7 have little/no effect on their ow n but result in severe and early onset disease when a second variant is present on the other copy of the gene (LMM unpublished data). In summary, while this var iant severely impacts the protein, its clinical significance is uncertain.